The following is an entry in ClinVar:

ClinVar aggregate classification (germline): Benign. Review status: criteria provided, multiple submitters, no conflicts (2 of 4 stars). 4 submissions from 4 submitters: Benign (4). Last evaluated 2026-01-06.

Conditions:
Autosomal dominant nonsyndromic hearing loss 44. Identifiers: Orphanet 90635, MedGen C1843895, MONDO:0011832, OMIM 607453.

Allele frequency attached by ClinVar (database versions not stated): gnomAD 0.00089 and 0.00135; TOPMed 0.00114; gnomAD exomes 0.00164 and 0.00265; ExAC 0.00256; 1000 Genomes Project 30x 0.00406; 1000 Genomes Project 0.00499.
gnomAD v4.1: 2,567 of 1,613,652 alleles (0.16%); highest among the groups gnomAD compares: East Asian, 5.4%; 70 homozygotes.

Submissions (10):

Labcorp Genetics (formerly Invitae), Labcorp
Classification: Benign. Last evaluated: 2026-01-06. Review status: criteria provided, single submitter. Criteria: Invitae Variant Classification Sherloc (09022015). Collection method: clinical testing. Allele origin: germline.

Fulgent Genetics
Classification: Benign for Autosomal dominant nonsyndromic hearing loss 44. Last evaluated: 2021-09-07. Review status: criteria provided, single submitter. Criteria: ACMG Guidelines, 2015. Collection method: clinical testing. Allele origin: unknown.

GeneDx
Classification: Benign. Last evaluated: 2018-03-13. Review status: criteria provided, single submitter. Criteria: GeneDx Variant Classification (06012015). Collection method: clinical testing. Allele origin: germline. Affected: yes.
Comment: This variant is considered likely benign or benign based on one or more of the following criteria: it is a conservative change, it occurs at a poorly conserved position in the protein, it is predicted to be benign by multiple in silico algorithms, and/or has population frequency not consistent with disease.

Laboratory for Molecular Medicine, Mass General Brigham Personalized Medicine
Classification: Benign. Last evaluated: 2015-02-02. Review status: criteria provided, single submitter. Criteria: LMM Criteria. Collection method: clinical testing. Allele origin: germline. Observed: 4 variant alleles.
Comment: p.Asp295Tyr in exon 06 of CCDC50: This variant is not expected to have clinical significance because it has been identified in 3.5% (296/8576) of East Asian chr omosomes by the Exome Aggregation Consortium (ExAC, rg; dbSNP rs75123867).

Dr. Peter K. Rogan Lab, Western University
No classification provided (evidence only). Condition: Thyroid cancer, nonmedullary, 1. Review status: no classification provided. Collection method: in vitro. Allele origin: not applicable. Functional consequence: retained intron. Not counted in ClinVar's aggregate classification.

Dr. Peter K. Rogan Lab, Western University
No classification provided (evidence only). Condition: Malignant lymphoma, large B-cell, diffuse. Review status: no classification provided. Collection method: in vitro. Allele origin: not applicable. Functional consequence: retained intron. Not counted in ClinVar's aggregate classification.

Dr. Peter K. Rogan Lab, Western University
No classification provided (evidence only). Condition: Hepatocellular carcinoma. Review status: no classification provided. Collection method: in vitro. Allele origin: not applicable. Functional consequence: retained intron. Not counted in ClinVar's aggregate classification.

Dr. Peter K. Rogan Lab, Western University
No classification provided (evidence only). Condition: Hepatocellular carcinoma. Review status: no classification provided. Collection method: in vitro. Allele origin: not applicable. Functional consequence: retained intron. Not counted in ClinVar's aggregate classification.

Dr. Peter K. Rogan Lab, Western University
No classification provided (evidence only). Condition: Hepatocellular carcinoma. Review status: no classification provided. Collection method: in vitro. Allele origin: not applicable. Functional consequence: retained intron. Not counted in ClinVar's aggregate classification.

Dr. Peter K. Rogan Lab, Western University
No classification provided (evidence only). Condition: Gastric cancer. Review status: no classification provided. Collection method: in vitro. Allele origin: not applicable. Functional consequence: retained intron. Not counted in ClinVar's aggregate classification.

NM_178335.3(CCDC50):c.883G>T (p.Asp295Tyr)

Gene: CCDC50 (coiled-coil domain containing 50; plus strand). Cytogenetic location: 3q28.
Variant type: single nucleotide variant.
Coding change: c.883G>T on transcript NM_178335.3 (MANE Select); coding-DNA position 883, G replaced by T.
Protein change: p.Asp295Tyr; replaces aspartic acid 295 with tyrosine.
Molecular consequence: missense variant. On other transcripts: intron variant (1).
Genome position (GRCh38, 1-based): chr3:191,375,496, G>T. VCF-style: chr3-191375496-G-T. GRCh37 (hg19) VCF-style: chr3-191093285-G-T.
Other names: c.449-4663G>T (NM_174908.4); short protein forms D295Y.
Identifiers: ClinVar variation 162857 (VCV000162857.16), dbSNP rs75123867, ClinGen allele CA175444.